The following is an entry in ClinVar:

ClinVar aggregate classification (germline): Likely pathogenic (1 of 4 stars; one submission).

Conditions:
CAST-related disorder. Also called: CAST-related condition.

Allele frequency attached by ClinVar (database versions not stated): TOPMed below 0.00001.
gnomAD v4.1: 1 of 1,613,218 alleles (0.000062%); highest among the groups gnomAD compares: Non-Finnish European, 0.000085%; no homozygotes.

Submission:

PreventionGenetics, part of Exact Sciences
Classification: Likely pathogenic for CAST-related condition. Last evaluated: 2022-08-23. Review status: criteria provided, single submitter. Criteria: ACMG Guidelines, 2015. Collection method: clinical testing. Allele origin: germline.
Comment: The CAST c.1372C>T variant is predicted to result in premature protein termination (p.Gln458*). To our knowledge, this variant has not been reported in the literature or in a large population database, indicating this variant is rare. Nonsense variants in CAST are expected to be pathogenic. This variant is interpreted as likely pathogenic.

NM_001750.7(CAST):c.1495C>T (p.Gln499Ter)

Gene: CAST (calpastatin; plus strand). Cytogenetic location: 5q15.
Variant type: single nucleotide variant.
Coding change: c.1495C>T on transcript NM_001750.7 (MANE Select); coding-DNA position 1495, C replaced by T.
Protein change: p.Gln499Ter; replaces glutamine 499 with a stop codon.
Molecular consequence: nonsense. On other transcripts: non-coding transcript variant (1).
Genome position (GRCh38, 1-based): chr5:96,750,653, C>T. VCF-style: chr5-96750653-C-T. GRCh37 (hg19) VCF-style: chr5-96086357-C-T.
Other names: c.1180C>T, p.Gln394Ter (NM_001423254.1, NM_173060.5, NM_001330632.2 and 1 more transcripts); c.1141C>T, p.Gln381Ter (NM_001423255.1, NM_001423256.1, NM_001423257.1 and 3 more transcripts); c.1084C>T, p.Gln362Ter (NM_001423260.1, NM_001042446.3, NM_001330630.2); c.1372C>T, p.Gln458Ter (NM_001042440.5, NM_001330627.2); c.1438C>T, p.Gln480Ter (NM_001042441.3); c.1429C>T, p.Gln477Ter (NM_001042442.3, NM_001329966.1); c.1246C>T, p.Gln416Ter (NM_001042443.3, NM_001423250.1); c.1123C>T, p.Gln375Ter (NM_001042444.3, NM_001284212.4); and 8 more; short protein forms Q344*, Q362*, Q375*, Q381*, Q384*, Q394*, Q397*, Q403*.
Identifiers: ClinVar variation 2636526 (VCV002636526.1), dbSNP rs1399161903, ClinGen allele CA360483184.